The following is an entry in ClinVar:

ClinVar aggregate classification (germline): Uncertain significance (1 of 4 stars; one submission).

Conditions:
THRB-related disorder. Also called: THRB-related condition.

Submission:

PreventionGenetics, part of Exact Sciences
Classification: Uncertain significance for THRB-related condition. Last evaluated: 2023-10-11. Review status: criteria provided, single submitter. Criteria: ACMG Guidelines, 2015. Collection method: clinical testing. Allele origin: germline.
Comment: The THRB c.1147C>A variant is predicted to result in the amino acid substitution p.Arg383Ser. To our knowledge, this variant has not been reported in the literature or in a large population database, indicating it is rare. Two different missense variants affecting the same amino acid (p.Arg383Cys and p.Arg383His) have been reported in individuals with thyroid hormone resistance (see for example, Narumi et al. 2010. PubMed ID: 23926384; Clifton-Bligh et al. 1998. PubMed ID: 9605924). Although we suspect that the c.1147C>A (p.Arg383Ser) variant may be pathogenic, at this time, the clinical significance is uncertain due to the absence of conclusive functional and genetic evidence.

NM_001354712.2(THRB):c.1147C>A (p.Arg383Ser)

Gene: THRB (thyroid hormone receptor beta; minus strand). Cytogenetic location: 3p24.2.
Variant type: single nucleotide variant.
Coding change: c.1147C>A on transcript NM_001354712.2 (MANE Select); coding-DNA position 1147, C replaced by A.
Protein change: p.Arg383Ser; replaces arginine 383 with serine.
Molecular consequence: missense variant.
Genome position (GRCh38, 1-based): chr3:24,123,123, G>T on the plus strand (C>A on the coding strand, the complement: THRB is on the minus strand). VCF-style: chr3-24123123-G-T. GRCh37 (hg19) VCF-style: chr3-24164614-G-T.
Other names: c.1147C>A, p.Arg383Ser (NM_000461.5, NM_001128176.3, NM_001128177.2 and 11 more transcripts); c.1054C>A, p.Arg352Ser (NM_001354714.2, NM_001354715.2); c.976C>A, p.Arg326Ser (NM_001374827.1); short protein forms R326S, R352S, R383S.
Identifiers: ClinVar variation 2633974 (VCV002633974.1), dbSNP rs1559388949, ClinGen allele CA351887169.